The following is an entry in ClinVar:

NM_007327.4(GRIN1):c.1538T>A (p.Ile513Asn)

Gene: GRIN1 (glutamate ionotropic receptor NMDA type subunit 1; plus strand). Cytogenetic location: 9q34.3.
Variant type: single nucleotide variant.
Coding change: c.1538T>A on transcript NM_007327.4 (MANE Select); coding-DNA position 1538, T replaced by A.
Protein change: p.Ile513Asn; replaces isoleucine 513 with asparagine.
Molecular consequence: missense variant.
Genome position (GRCh38, 1-based): chr9:137,161,994, T>A. VCF-style: chr9-137161994-T-A. GRCh37 (hg19) VCF-style: chr9-140056446-T-A.
Other names: c.1538T>A, p.Ile513Asn (NM_000832.7, NM_021569.4); c.1601T>A, p.Ile534Asn (NM_001185090.2, NM_001185091.2); short protein forms I513N, I534N.
Identifiers: ClinVar variation 1034607 (VCV001034607.7), dbSNP rs1833577655, ClinGen allele CA375717273.

ClinVar aggregate classification (germline): Uncertain significance (1 of 4 stars; one submission).

Conditions:
Neurodevelopmental disorder with or without hyperkinetic movements and seizures, autosomal dominant. Also called: Intellectual disability, autosomal dominant 8. Identifiers: MedGen C3280282, MONDO:0013655, OMIM 614254.

Submission:

Labcorp Genetics (formerly Invitae), Labcorp
Classification: Uncertain significance for Neurodevelopmental disorder with or without hyperkinetic movements and seizures, autosomal dominant. Last evaluated: 2022-02-08. Review status: criteria provided, single submitter. Criteria: Invitae Variant Classification Sherloc (09022015). Collection method: clinical testing. Allele origin: germline.
Comment: This sequence change replaces isoleucine, which is neutral and non-polar, with asparagine, which is neutral and polar, at codon 513 of the GRIN1 protein (p.Ile513Asn). In summary, the available evidence is currently insufficient to determine the role of this variant in disease. Therefore, it has been classified as a Variant of Uncertain Significance. Advanced modeling of protein sequence and biophysical properties (such as structural, functional, and spatial information, amino acid conservation, physicochemical variation, residue mobility, and thermodynamic stability) performed at Invitae indicates that this missense variant is expected to disrupt GRIN1 protein function. ClinVar contains an entry for this variant (Variation ID: 1034607). This variant has not been reported in the literature in individuals affected with GRIN1-related conditions. This variant is not present in population databases (gnomAD no frequency).